The following is an entry in ClinVar:

NM_001371986.1(UNC80):c.3809A>G (p.Asn1270Ser)

Genes: UNC80 (unc-80 subunit of NALCN channel complex; plus strand), LOC121725110 (Sharpr-MPRA regulatory region 8902; plus strand). Cytogenetic location: 2q34.
Variant type: single nucleotide variant.
Coding change: c.3809A>G on transcript NM_001371986.1 (MANE Select); coding-DNA position 3809, A replaced by G.
Protein change: p.Asn1270Ser; replaces asparagine 1270 with serine.
Molecular consequence: missense variant.
Genome position (GRCh38, 1-based): chr2:209,872,939, A>G. VCF-style: chr2-209872939-A-G. GRCh37 (hg19) VCF-style: chr2-210737663-A-G.
Other names: c.3815A>G, p.Asn1272Ser (NM_032504.2); c.3800A>G, p.Asn1267Ser (NM_182587.4); c.3815A>G (NM_032504.1); short protein forms N1272S, N1267S, N1270S.
Identifiers: ClinVar variation 598654 (VCV000598654.11), dbSNP rs1314777504, ClinGen allele CA350742871.

ClinVar aggregate classification (germline): Uncertain significance. Review status: criteria provided, multiple submitters, no conflicts (2 of 4 stars). 3 submissions from 3 submitters: Uncertain significance (3). Last evaluated 2025-11-20.

Conditions:
Inborn genetic diseases. Identifiers: MedGen C0950123, MeSH D030342.

Allele frequency attached by ClinVar (database versions not stated): gnomAD exomes 0.00002 and 0.00005; TOPMed 0.00002.
gnomAD v4.1: 10 of 1,551,660 alleles (0.00064%); highest among the groups gnomAD compares: Admixed American, 0.02%; no homozygotes.

Submissions (3):

Ambry Genetics
Classification: Uncertain significance for Inborn genetic diseases. Last evaluated: 2025-11-20. Review status: criteria provided, single submitter. Criteria: Ambry Variant Classification Scheme 2023. Collection method: clinical testing. Allele origin: germline.

Labcorp Genetics (formerly Invitae), Labcorp
Classification: Uncertain significance. Last evaluated: 2023-11-27. Review status: criteria provided, single submitter. Criteria: Invitae Variant Classification Sherloc (09022015). Collection method: clinical testing. Allele origin: germline.
Comment: This sequence change replaces asparagine, which is neutral and polar, with serine, which is neutral and polar, at codon 1272 of the UNC80 protein (p.Asn1272Ser). This variant is present in population databases (no rsID available, gnomAD 0.03%). This variant has not been reported in the literature in individuals affected with UNC80-related conditions. ClinVar contains an entry for this variant (Variation ID: 598654). An algorithm developed to predict the effect of missense changes on protein structure and function (PolyPhen-2) suggests that this variant is likely to be disruptive. In summary, the available evidence is currently insufficient to determine the role of this variant in disease. Therefore, it has been classified as a Variant of Uncertain Significance.

Eurofins Ntd Llc (ga)
Classification: Uncertain significance. Last evaluated: 2018-09-05. Review status: criteria provided, single submitter. Criteria: EGL ClinVar v180209 classification definitions. Collection method: clinical testing. Allele origin: germline. Observed: 1 variant allele, 1 heterozygote.